The following is an entry in ClinVar:

ClinVar aggregate classification (germline): Pathogenic. Review status: criteria provided, multiple submitters, no conflicts (2 of 4 stars). 3 submissions from 3 submitters: Pathogenic (3). Last evaluated 2025-02-28.

Conditions:
CFTR-related disorder (CFTR-RD). Also called: CFTR-related disorders; CFTR-related condition. Identifiers: MedGen C5924204, MONDO:7770004.
Cystic fibrosis (CF). Also called: MUCOVISCIDOSIS. Identifiers: Orphanet 586, MedGen C0010674, MONDO:0009061, OMIM 219700. Disease mechanism: loss of function.

Submissions (3):

Natera, Inc.
Classification: Pathogenic for CFTR-related disorders. Last evaluated: 2025-02-28. Review status: criteria provided, single submitter. Criteria: Natera Variant Classification Schema (03/2026). Collection method: clinical testing. Allele origin: germline.
Comment: The c.3883_3884insG variant in CFTR is a frameshift variant predicted to shift the reading frame beginning at codon 1295 and leads to a stop codon 7 codons downstream. This variant is expected to result in nonsense mediated decay, truncation, or a dysfunctional protein product. This variant is rare in the general population with a frequency below the threshold expected for the associated phenotype(s). This variant has been observed in one or more individuals affected with the associated recessive disease, as either homozygous or compound heterozygous with a second variant (PMID: 18455968). Additionally, this variant has been observed to segregate in affected family members (PMID: 18455968). Given the available evidence, this variant is classified as Pathogenic.

Labcorp Genetics (formerly Invitae), Labcorp
Classification: Pathogenic for Cystic fibrosis. Last evaluated: 2023-03-22. Review status: criteria provided, single submitter. Criteria: Invitae Variant Classification Sherloc (09022015). Collection method: clinical testing. Allele origin: germline.
Comment: This variant is not present in population databases (gnomAD no frequency). This premature translational stop signal has been observed in individual(s) with cystic fibrosis (PMID: 18455968). It has also been observed to segregate with disease in related individuals. ClinVar contains an entry for this variant (Variation ID: 981112). For these reasons, this variant has been classified as Pathogenic. This sequence change creates a premature translational stop signal (p.Ile1295Serfs*7) in the CFTR gene. It is expected to result in an absent or disrupted protein product. Loss-of-function variants in CFTR are known to be pathogenic (PMID: 1695717, 7691345, 9725922).

Women's Health and Genetics/Laboratory Corporation of America, LabCorp
Classification: Pathogenic for Cystic fibrosis. Last evaluated: 2020-09-14. Review status: criteria provided, single submitter. Criteria: LabCorp Variant Classification Summary - May 2015. Collection method: clinical testing. Allele origin: germline.
Comment: Variant summary: CFTR c.3883_3884insG (p.Ile1295SerfsX7) results in a premature termination codon, predicted to cause a truncation of the encoded protein or absence of the protein due to nonsense mediated decay, which are commonly known mechanisms for disease. Truncations downstream of this position have been classified as pathogenic by our laboratory. The variant was absent in 247388 control chromosomes. c.3883_3884insG has been reported in the literature in individuals affected with Cystic Fibrosis (e.g. Farra_2008). These data indicate that the variant is likely to be associated with disease. To our knowledge, no experimental evidence demonstrating an impact on protein function has been reported. No clinical diagnostic laboratories have submitted clinical-significance assessments for this variant to ClinVar after 2014. Based on the evidence outlined above, the variant was classified as pathogenic.

Literature cited by the submitters: PubMed 18455968 (cited by 3 submitters); PubMed 1695717 (cited by Labcorp Genetics (formerly Invitae), Labcorp); PubMed 7691345 (cited by Labcorp Genetics (formerly Invitae), Labcorp); PubMed 9725922 (cited by Labcorp Genetics (formerly Invitae), Labcorp).

NM_000492.4(CFTR):c.3883_3884insG (p.Ile1295fs)

Gene: CFTR (CF transmembrane conductance regulator; plus strand). Cytogenetic location: 7q31.2.
Variant type: Insertion.
Coding change: c.3883_3884insG on transcript NM_000492.4 (MANE Select); coding-DNA positions 3883 to 3884, G inserted.
Protein change: p.Ile1295fs; shifts the reading frame from isoleucine 1295.
Molecular consequence: frameshift variant.
Genome position: GRCh38 VCF-style: chr7-117652851-A-AG. GRCh37 (hg19) VCF-style: chr7-117292905-A-AG.
Other names: short protein forms I1295fs.
Identifiers: ClinVar variation 981112 (VCV000981112.9), dbSNP rs1793108213, ClinGen allele CA1139660072.